The following is an entry in ClinVar:

NM_004006.3(DMD):c.8135C>G (p.Ala2712Gly)

Gene: DMD (dystrophin; minus strand). Cytogenetic location: Xp21.1.
Variant type: single nucleotide variant.
Coding change: c.8135C>G on transcript NM_004006.3 (MANE Select); coding-DNA position 8135, C replaced by G.
Protein change: p.Ala2712Gly; replaces alanine 2712 with glycine.
Molecular consequence: missense variant.
Genome position (GRCh38, 1-based): chrX:31,627,755, G>C on the plus strand (C>G on the coding strand, the complement: DMD is on the minus strand). VCF-style: chrX-31627755-G-C. GRCh37 (hg19) VCF-style: chrX-31645872-G-C.
Other names: c.8111C>G, p.Ala2704Gly (NM_000109.4); c.8123C>G, p.Ala2708Gly (NM_004009.3); c.7766C>G, p.Ala2589Gly (NM_004010.3); c.4112C>G, p.Ala1371Gly (NM_004011.4); c.4103C>G, p.Ala1368Gly (NM_004012.4); c.755C>G, p.Ala252Gly (NM_004013.3, NM_004020.4, NM_004021.3 and 2 more transcripts); short protein forms A1371G, A252G, A1368G, A2704G, A2712G, A2589G, A2708G.
Identifiers: ClinVar variation 644496 (VCV000644496.11), dbSNP rs751599201, ClinGen allele CA10378139.

ClinVar aggregate classification (germline): Conflicting classifications of pathogenicity. Review status: criteria provided, conflicting classifications (1 of 4 stars). 3 submissions from 3 submitters: Uncertain significance (1); Likely benign (1). 1 of the submissions does not count toward it. Last evaluated 2025-09-10.

Conditions:
Cardiomyopathy (CMYO). Also called: Cardiomyopathies. Identifiers: Orphanet 167848, MedGen C0878544, MONDO:0004994, HP:0001638. Inheritance: Various modes of inheritance.
Duchenne muscular dystrophy (DMD). Also called: MUSCULAR DYSTROPHY, PSEUDOHYPERTROPHIC PROGRESSIVE, DUCHENNE TYPE; Duchenne Muscular Dystrophy (DMD). Identifiers: Orphanet 98896, MedGen C0013264, MONDO:0010679, OMIM 310200.
Becker muscular dystrophy (BMD). Also called: MUSCULAR DYSTROPHY, PSEUDOHYPERTROPHIC PROGRESSIVE, BECKER TYPE; Becker Muscular Dystrophy (BMD). Identifiers: Orphanet 98895, MedGen C0917713, MONDO:0010311, OMIM 300376.
Dystrophin deficiency.
Cardiovascular phenotype. Identifiers: MedGen CN230736.

Allele frequency attached by ClinVar (database versions not stated): ExAC 0.00001; gnomAD exomes 0.00001; gnomAD 0.00005.

Submissions (3):

Labcorp Genetics (formerly Invitae), Labcorp
Classification: Likely benign for Duchenne muscular dystrophy. Last evaluated: 2025-09-10. Review status: criteria provided, single submitter. Criteria: Invitae Variant Classification Sherloc (09022015). Collection method: clinical testing. Allele origin: germline.

Ambry Genetics
Classification: Uncertain significance for Cardiovascular phenotype. Last evaluated: 2023-07-27. Review status: criteria provided, single submitter. Criteria: Ambry Variant Classification Scheme 2023. Collection method: clinical testing. Allele origin: germline.
Comment: The p.A2712G variant (also known as c.8135C>G), located in coding exon 55 of the DMD gene, results from a C to G substitution at nucleotide position 8135. The alanine at codon 2712 is replaced by glycine, an amino acid with similar properties. Based on data from gnomAD, the G allele has an overall frequency of 0.0015% (3/204455) total alleles studied, with 1 hemizygote(s) observed. The highest observed frequency was 0.0053% (1/19016) of African/African American alleles. This amino acid position is well conserved in available vertebrate species. In addition, this alteration is predicted to be tolerated by in silico analysis. Since supporting evidence is limited at this time, the clinical significance of this alteration remains unclear.

Natera, Inc.
Classification: Uncertain significance for Becker muscular dystrophy; Cardiomyopathy; Duchenne muscular dystrophy; Dystrophin deficiency. Last evaluated: 2018-05-28. Review status: no assertion criteria provided. Collection method: clinical testing. Allele origin: germline. Not counted in ClinVar's aggregate classification.